The following is an entry in ClinVar:

ClinVar aggregate classification (germline): Conflicting classifications of pathogenicity. Review status: criteria provided, conflicting classifications (1 of 4 stars). 2 submissions from 2 submitters: Likely pathogenic (1); Uncertain significance (1). Last evaluated 2026-06-02.

Conditions:
Colorectal cancer, hereditary nonpolyposis, type 7. Identifiers: Orphanet 144, MedGen C1858380, MONDO:0013725, OMIM 614385.

Submissions (2):

Myriad Genetics, Inc.
Classification: Likely pathogenic for Colorectal cancer, hereditary nonpolyposis, type 7. Last evaluated: 2026-06-02. Review status: criteria provided, single submitter. Criteria: Myriad Autosomal Dominant, Autosomal Recessive and X-Linked Classification Criteria (2023). Collection method: clinical testing. Allele origin: unknown.
Comment: This variant is considered likely pathogenic. This variant occurs within a consensus splice junction and is predicted to result in abnormal mRNA splicing of either an out-of-frame exon or an in-frame exon necessary for protein stability and/or normal function.

Labcorp Genetics (formerly Invitae), Labcorp
Classification: Uncertain significance for Colorectal cancer, hereditary nonpolyposis, type 7. Last evaluated: 2024-01-27. Review status: criteria provided, single submitter. Criteria: Invitae Variant Classification Sherloc (09022015). Collection method: clinical testing. Allele origin: germline.
Comment: This sequence change affects a donor splice site in intron 8 of the MLH3 gene. It is expected to disrupt RNA splicing. Variants that disrupt the donor or acceptor splice site typically lead to a loss of protein function (PMID: 16199547), however the current clinical and genetic evidence is not sufficient to establish whether loss-of-function variants in MLH3 cause disease. This variant is not present in population databases (gnomAD no frequency). This variant has not been reported in the literature in individuals affected with MLH3-related conditions. Algorithms developed to predict the effect of sequence changes on RNA splicing suggest that this variant may disrupt the consensus splice site. In summary, the available evidence is currently insufficient to determine the role of this variant in disease. Therefore, it has been classified as a Variant of Uncertain Significance.

Literature cited by the submitters: PubMed 16199547 (cited by Labcorp Genetics (formerly Invitae), Labcorp).

NM_001040108.2(MLH3):c.3827+1G>C

Gene: MLH3 (mutL homolog 3; minus strand). Cytogenetic location: 14q24.3.
Variant type: single nucleotide variant.
Coding change: c.3827+1G>C on transcript NM_001040108.2 (MANE Select); the canonical splice donor site of the intron after coding-DNA position 3827, G replaced by C.
Molecular consequence: splice donor variant.
Genome position (GRCh38, 1-based): chr14:75,032,067, C>G on the plus strand (G>C on the coding strand, the complement: MLH3 is on the minus strand). VCF-style: chr14-75032067-C-G. GRCh37 (hg19) VCF-style: chr14-75498770-C-G.
Other names: c.3755+1G>C (NM_014381.3).
Identifiers: ClinVar variation 2903214 (VCV002903214.4), dbSNP rs1891085026, ClinGen allele CA390424592.